The following is an entry in ClinVar:

ClinVar aggregate classification (germline): Benign (1 of 4 stars; one submission).

Conditions:
Lysosomal acid lipase deficiency. Also called: Acid cholesteryl ester hydrolase deficiency, type 2. Identifiers: Orphanet 275761, MedGen C5574740, MONDO:0800449, MONDO:0010204.

Allele frequency attached by ClinVar (database versions not stated): 1000 Genomes Project 0.01358; 1000 Genomes Project 30x 0.01499; TOPMed 0.01276.

Submission:

Illumina Laboratory Services, Illumina
Classification: Benign for Cholesteryl ester storage disease. Last evaluated: 2018-01-12. Review status: criteria provided, single submitter. Criteria: ICSL Variant Classification Criteria 13 December 2019. Collection method: clinical testing. Allele origin: germline.
Comment: This variant was observed in the ICSL laboratory as part of a predisposition screen in an ostensibly healthy population. It had not been previously curated by ICSL or reported in the Human Gene Mutation Database (HGMD: prior to June 1st, 2018), and was therefore a candidate for classification through an automated scoring system. Utilizing variant allele frequency, disease prevalence and penetrance estimates, and inheritance mode, an automated score was calculated to assess if this variant is too frequent to cause the disease. Based on the score and internal cut-off values, a variant classified as benign is not then subjected to further curation. The score for this variant resulted in a classification of benign for this disease.

NM_000235.4(LIPA):c.*841C>G

Gene: LIPA (lipase A, lysosomal acid type; minus strand). Cytogenetic location: 10q23.31.
Variant type: single nucleotide variant.
Coding change: c.*841C>G on transcript NM_000235.4 (MANE Select); 841 bases downstream of the stop codon, C replaced by G.
Molecular consequence: 3 prime UTR variant.
Genome position (GRCh38, 1-based): chr10:89,213,987, G>C on the plus strand (C>G on the coding strand, the complement: LIPA is on the minus strand). VCF-style: chr10-89213987-G-C. GRCh37 (hg19) VCF-style: chr10-90973744-G-C.
Other names: c.*841C>G (NM_001127605.3, NM_001288979.2).
Identifiers: ClinVar variation 301559 (VCV000301559.7), dbSNP rs116074523, ClinGen allele CA10636464.
Genomic context (GRCh38, chr10:89,213,987, plus strand): 5'-TTCTCATGGGCAACCACGGGGCTTTGGCTTCACACAGATGTGATCAATAACGACAGTAGC[G>C]GGCTCCAAGAGTACATTAATCTCAGAAAAAATAGTGGTATAGTCTCCACAGGGATTTGCT-3'